The following is an entry in ClinVar:

NM_021625.5(TRPV4):c.805C>T (p.Arg269Cys)

Gene: TRPV4 (transient receptor potential cation channel subfamily V member 4; minus strand). Cytogenetic location: 12q24.11.
Variant type: single nucleotide variant.
Coding change: c.805C>T on transcript NM_021625.5 (MANE Select); coding-DNA position 805, C replaced by T.
Protein change: p.Arg269Cys; replaces arginine 269 with cysteine.
Molecular consequence: missense variant. On other transcripts: intron variant (2).
Genome position (GRCh38, 1-based): chr12:109,800,666, G>A on the plus strand (C>T on the coding strand, the complement: TRPV4 is on the minus strand). VCF-style: chr12-109800666-G-A. GRCh37 (hg19) VCF-style: chr12-110238471-G-A.
Other names: c.703C>T, p.Arg235Cys (NM_001177431.2); c.805C>T, p.Arg269Cys (NM_147204.3); c.713-1754C>T (NM_001177433.1, NM_001177428.1); short protein forms R269C, R235C.
Identifiers: ClinVar variation 5002 (VCV000005002.64), dbSNP rs267607146, ClinGen allele CA130778.

ClinVar aggregate classification (germline): Pathogenic. Review status: criteria provided, multiple submitters, no conflicts (2 of 4 stars). 14 submissions from 12 submitters: Pathogenic (8). 6 of the submissions do not count toward it. Last evaluated 2026-07-09.

Conditions:
TRPV4-related disorder. Also called: TRPV4-related condition; TRPV4-related disorders.
Hereditary motor neuron disease. Also called: Genetic motor neuron disease. Identifiers: Orphanet 98505, MedGen C0270763, MONDO:0024257.
Distal spinal muscular atrophy. Also called: Distal hereditary motor neuropathy; Distal hereditary motor neuronopathy. Identifiers: Orphanet 53739, MedGen C0393541, MONDO:0018894.
Neuromuscular disease. Also called: Neuromuscular disorder; Neuromyopathy. Identifiers: Orphanet 68381, MedGen C0027868, MeSH D009468, MONDO:0019056.
Inborn genetic diseases. Identifiers: MedGen C0950123, MeSH D030342.
Scapuloperoneal spinal muscular atrophy (SPSMA). Also called: Scapuloperoneal Spinal Muscular Atrophy, TRPV4-Related; AMYOTROPHY, NEUROGENIC SCAPULOPERONEAL, NEW ENGLAND TYPE; Scapuloperoneal Form of Spinal Muscular Atrophy; Scapuloperoneal spinal muscular atrophy, autosomal dominant. Identifiers: Orphanet 431255, MedGen C0751335, MONDO:0008408, OMIM 181405.
Neuronopathy, distal hereditary motor, autosomal dominant 8. Also called: NEURONOPATHY, DISTAL HEREDITARY MOTOR, TYPE VIII; NEUROPATHY, DISTAL HEREDITARY MOTOR, TYPE VIII; SPINAL MUSCULAR ATROPHY, CONGENITAL BENIGN, WITH CONTRACTURES; Autosomal dominant congenital benign spinal muscular atrophy. Identifiers: Orphanet 1216, MedGen C1838492, MONDO:0010839, OMIM 600175.
Charcot-Marie-Tooth disease axonal type 2C (HMSN2C). Also called: Charcot-Marie-Tooth Disease Type 2, TRPV4-Related (CMT2C); CHARCOT-MARIE-TOOTH DISEASE, AXONAL, AUTOSOMAL DOMINANT, TYPE 2C; Charcot-Marie-Tooth Neuropathy Type 2C. Identifiers: Orphanet 99937, MedGen C1853710, MONDO:0011633, OMIM 606071.

Allele frequency attached by ClinVar (database versions not stated): gnomAD exomes below 0.00001; TOPMed below 0.00001; gnomAD 0.00001.
gnomAD v4.1: 2 of 1,614,054 alleles (0.00012%); highest among the groups gnomAD compares: African/African-American, 0.0013%; no homozygotes.

Submissions (14):

Victorian Clinical Genetics Services, Murdoch Childrens Research Institute
Classification: Pathogenic for Neuromuscular disease. Last evaluated: 2026-07-09. Review status: criteria provided, single submitter. Criteria: ACMG Guidelines, 2015. Collection method: clinical testing. Allele origin: germline. Affected: yes.
Comment: This variant is classified as Pathogenic. Evidence in support of pathogenic classification: This variant is present in gnomAD <0.001 for a dominant condition (v4: 2 heterozygote(s), 0 homozygote(s)); This variant has strong previous evidence of pathogenicity in unrelated individuals. This variant has been classified as pathogenic by multiple clinical laboratories and has been reported in individuals with neuromuscular disease, with some individuals also presenting with skeletal dysplasia (ClinVar, PMID: 25900305, PMID: 38562133, PMID: 24830047, PMID: 21336783); Other variants comparable to the one identified in this case have very strong previous evidence for pathogenicity. The p.(Arg269His) and p.(Arg269Ser) variants have been classified as likely pathogenic or pathogenic by multiple clinical laboratories (ClinVar). Additional information: This variant is predicted to result in a missense amino acid change from Arg to Cys; This variant is heterozygous; This gene is associated with autosomal dominant disease, although recessive inheritance has been described for the p.(Ser94Leu) variant (PMID: 24830047); Alternative amino acid change(s) at the same position are present in gnomAD (highest allele count: v4: 1 heterozygote(s), 0 homozygote(s)); Variant is located in the annotated ankyrin repeat domain (DECIPHER); Missense variant with inconclusive in silico prediction(s) and/or uninformative conservation; Loss of function and gain of function are known mechanisms of disease in this gene. Loss of function has been reported for three missense variants associated with familial digital arthropathy with brachydactyly (MIM#606835) while gain of function has been reported as the mechanism of disease associated with skeletal dysplasia and neuromuscular disorders (OMIM, PMID: 21964574, PMID: 23306656); The condition associated with this gene has incomplete penetrance. Reduced penetrance reported for the neuromuscular disorders (PMID: 24830047, OMIM); Variants in this gene are known to have variable expressivity (PMID: 24830047); Inheritance information for this variant is not currently available in this individual.

GeneDx
Classification: Pathogenic. Last evaluated: 2025-10-14. Review status: criteria provided, single submitter. Criteria: GeneDx Variant Classification Process June 2021. Collection method: clinical testing. Allele origin: germline. Affected: yes.
Comment: Reported in five family members, of which two were clinically affected and three were clinically unaffected, indicating reduced penetrance (PMID: 21336783); Published functional studies show that R269C alters the channel activity and leads to increased rate of cell death (PMID: 20037586); Reported previously in association with CMT2C and distal hereditary motor neuropathy with or without vocal cord paresis (PMID: 24789864, 20037586, 21336783, 38562133); In silico analysis suggests that this missense variant does not alter protein structure/function; Not observed at significant frequency in large population cohorts (gnomAD); This variant is associated with the following publications: (PMID: 20460441, 35170874, 31468327, 22702953, 26110311, 24963089, 22617546, 33664271, 31041394, 33820833, 25900305, 36738734, 24789864, 38562133, 20037586, 21336783, 22851605)

Labcorp Genetics (formerly Invitae), Labcorp
Classification: Pathogenic for Charcot-Marie-Tooth disease axonal type 2C. Last evaluated: 2025-03-24. Review status: criteria provided, single submitter. Criteria: Invitae Variant Classification Sherloc (09022015). Collection method: clinical testing. Allele origin: germline.
Comment: This sequence change replaces arginine, which is basic and polar, with cysteine, which is neutral and slightly polar, at codon 269 of the TRPV4 protein (p.Arg269Cys). This variant is present in population databases (rs267607146, gnomAD 0.01%). This missense change has been observed in individual(s) with TRPV4-related neuropathy (PMID: 20037586, 21336783, 24789864, 25900305, 26110311). In at least one individual the variant was observed to be de novo. It has also been observed to segregate with disease in related individuals. ClinVar contains an entry for this variant (Variation ID: 5002). Invitae Evidence Modeling of protein sequence and biophysical properties (such as structural, functional, and spatial information, amino acid conservation, physicochemical variation, residue mobility, and thermodynamic stability) indicates that this missense variant is expected to disrupt TRPV4 protein function with a positive predictive value of 80%. Experimental studies have shown that this missense change affects TRPV4 function (PMID: 20037586, 22702953). This variant disrupts the p.Arg269 amino acid residue in TRPV4. Other variant(s) that disrupt this residue have been determined to be pathogenic (PMID: 20037587, 20037588, 24575025, 24963089, 26948711, 27751652). This suggests that this residue is clinically significant, and that variants that disrupt this residue are likely to be disease-causing. For these reasons, this variant has been classified as Pathogenic.

Revvity Omics, Revvity
Classification: Pathogenic. Last evaluated: 2022-05-16. Review status: criteria provided, single submitter. Criteria: ACMG Guidelines, 2015. Collection method: clinical testing. Allele origin: germline.

Ambry Genetics
Classification: Pathogenic for Inborn genetic diseases. Last evaluated: 2022-04-13. Review status: criteria provided, single submitter. Criteria: Ambry Variant Classification Scheme 2023. Collection method: clinical testing. Allele origin: germline.
Comment: The p.R269C pathogenic mutation (also known as c.805C>T), located in coding exon 4 of the TRPV4 gene, results from a C to T substitution at nucleotide position 805. The arginine at codon 269 is replaced by cysteine, an amino acid with highly dissimilar properties. This mutation was reported to be de novo in individuals with skeletal dysplasia and scapuloperoneal spinal muscular atrophy (SPSMA) and distal hereditary motor neuropathy (dHMN) (Evangelista et al. Neuromuscul Disord, 2015 Jun;25:516-21; Echaniz-Laguna A et al. Neurology, 2014 May;82:1919-26). In addition, this variant was identified in multiple unrelated individuals with TRPV-related disease (Deng S et al. Neuromolecular Med, 2020 Mar;22:68-72; Echaniz-Laguna A et al. Neurology, 2014 May;82:1919-26; Berciano et al. J Neurol. 2011 Aug;258:1413-21). Functional studies indicate that this alteration impairs normal channel activity, mitochondrial transport in axons, and neuronal projections in Drosophila and increases cytotoxicity in vitro (Woolums et al. Nat Commun, 2020 May 29;11:2679; Velilla et al. Neurol Genet, 2019 Mar 7;5:e312.). Another alteration at the same codon, p.R269H (c.806 G>A), has been detected in individuals with Charcot-Marie-Tooth disease (CMT), scapuloperoneal spinal muscular atrophy (SPSMA), congenital distal spinal muscular atrophy (CDSMA) and arthrogryposis, with some functional evidence (Landoure et al. Nat Genet, 2010 Feb;42:170-4; Auer-Grumbach et al. Nat Genet, 2010 Feb;42:160-4; Deng et al. Nat Genet. 2010 Feb;42:165-9.). This amino acid position is well conserved in available vertebrate species; however, cysteine is the reference amino acid in other vertebrate species. Based on the supporting evidence, this alteration is interpreted as a disease-causing mutation.

Blueprint Genetics
Classification: Pathogenic for TRPV4-related disorders. Last evaluated: 2020-12-23. Review status: criteria provided, single submitter. Criteria: ACMG Guidelines, 2015. Collection method: clinical testing. Allele origin: germline. Affected: yes. Observed: 1 variant allele.

CeGaT Center for Human Genetics Tuebingen
Classification: Pathogenic. Last evaluated: 2019-12-01. Review status: criteria provided, single submitter. Criteria: CeGaT Center For Human Genetics Tuebingen Variant Classification Criteria Version 2. Collection method: clinical testing. Allele origin: germline. Affected: yes. Observed: 2 variant alleles.

Athena Diagnostics
Classification: Pathogenic. Last evaluated: 2016-10-05. Review status: criteria provided, single submitter. Criteria: Athena Diagnostics Criteria. Collection method: clinical testing. Allele origin: germline.

Genesis Genome Database
Classification: Uncertain significance for Distal spinal muscular atrophy. Last evaluated: 2019-08-14. Review status: no assertion criteria provided. Collection method: research. Allele origin: germline. Affected: yes. Not counted in ClinVar's aggregate classification.

OMIM
Classification: Pathogenic for HEREDITARY MOTOR AND SENSORY NEUROPATHY, TYPE IIC. Last evaluated: 2011-08-01. Review status: no assertion criteria provided. Collection method: literature only. Allele origin: germline. Not counted in ClinVar's aggregate classification.

OMIM
Classification: Pathogenic for SCAPULOPERONEAL SPINAL MUSCULAR ATROPHY. Last evaluated: 2011-08-01. Review status: no assertion criteria provided. Collection method: literature only. Allele origin: germline. Not counted in ClinVar's aggregate classification.

OMIM
Classification: Pathogenic for NEURONOPATHY, DISTAL HEREDITARY MOTOR, AUTOSOMAL DOMINANT 8. Last evaluated: 2011-08-01. Review status: no assertion criteria provided. Collection method: literature only. Allele origin: germline. Not counted in ClinVar's aggregate classification.

GeneReviews
No classification provided. Condition: Neuromuscular disease. Review status: no classification provided. Collection method: literature only. Allele origin: germline. Affected: yes. Not counted in ClinVar's aggregate classification.

Inherited Neuropathy Consortium
Classification: Likely pathogenic for Hereditary motor neuron disease. Review status: no assertion criteria provided. Collection method: provider interpretation. Allele origin: inherited. Affected: yes. Not counted in ClinVar's aggregate classification.

Literature cited by the submitters: PubMed 21336783 (cited by 4 submitters); PubMed 38562133 (cited by Victorian Clinical Genetics Services, Murdoch Childrens Research Institute); PubMed 21964574 (cited by Victorian Clinical Genetics Services, Murdoch Childrens Research Institute); PubMed 25900305 (cited by 3 submitters); PubMed 23306656 (cited by Victorian Clinical Genetics Services, Murdoch Childrens Research Institute); PubMed 24830047 (cited by Victorian Clinical Genetics Services, Murdoch Childrens Research Institute); PubMed 20037586 (cited by 3 submitters); PubMed 24789864 (cited by Labcorp Genetics (formerly Invitae), Labcorp); PubMed 26110311 (cited by Labcorp Genetics (formerly Invitae), Labcorp and Athena Diagnostics); PubMed 22702953 (cited by Labcorp Genetics (formerly Invitae), Labcorp and Athena Diagnostics); PubMed 20037587 (cited by Labcorp Genetics (formerly Invitae), Labcorp); PubMed 20037588 (cited by Labcorp Genetics (formerly Invitae), Labcorp); PubMed 24575025 (cited by Labcorp Genetics (formerly Invitae), Labcorp); PubMed 24963089 (cited by Labcorp Genetics (formerly Invitae), Labcorp); PubMed 26948711 (cited by Labcorp Genetics (formerly Invitae), Labcorp); PubMed 27751652 (cited by Labcorp Genetics (formerly Invitae), Labcorp); PubMed 20460441 (cited by Athena Diagnostics); NCBI Bookshelf NBK201366 (cited by GeneReviews).